The following is an entry in ClinVar:

NM_001083962.2(TCF4):c.1007A>G (p.His336Arg)

Gene: TCF4 (transcription factor 4; minus strand). Cytogenetic location: 18q21.2.
Variant type: single nucleotide variant.
Coding change: c.1007A>G on transcript NM_001083962.2 (MANE Select); coding-DNA position 1007, A replaced by G.
Protein change: p.His336Arg; replaces histidine 336 with arginine.
Molecular consequence: missense variant.
Genome position (GRCh38, 1-based): chr18:55,260,011, T>C on the plus strand (A>G on the coding strand, the complement: TCF4 is on the minus strand). VCF-style: chr18-55260011-T-C. GRCh37 (hg19) VCF-style: chr18-52927242-T-C.
Other names: c.359A>G, p.His120Arg (NM_001348215.2); c.527A>G, p.His176Arg (NM_001348216.2, NM_001243234.2, NM_001243235.2 and 2 more transcripts); c.935A>G, p.His312Arg (NM_001348217.1, NM_001348218.2, NM_001348219.2 and 9 more transcripts); c.932A>G, p.His311Arg (NM_001348220.1, NM_001369576.1, NM_001369578.1 and 3 more transcripts); c.1007A>G, p.His336Arg (NM_001369567.1, NM_001369568.1, NM_001330604.3 and 4 more transcripts); c.1004A>G, p.His335Arg (NM_001369569.1, NM_001369570.1, NM_001369573.1); c.1313A>G, p.His438Arg (NM_001243226.3); c.1025A>G, p.His342Arg (NM_001243228.2); and 4 more; short protein forms H120R, H176R, H206R, H265R, H294R, H311R, H312R, H334R.
Identifiers: ClinVar variation 1800821 (VCV001800821.2), dbSNP rs1233055346, ClinGen allele CA402534860.

ClinVar aggregate classification (germline): Uncertain significance (1 of 4 stars; one submission).

Submission:

GeneDx
Classification: Uncertain significance. Last evaluated: 2026-04-02. Review status: criteria provided, single submitter. Criteria: GeneDx Variant Classification Process June 2021. Collection method: clinical testing. Allele origin: germline.
Comment: Not observed at significant frequency in large population cohorts (gnomAD); In silico analysis supports that this missense variant has a deleterious effect on protein structure/function; Has not been previously published as pathogenic or benign to our knowledge